The following is an entry in ClinVar:

NM_005045.4(RELN):c.8G>T (p.Arg3Leu)

Gene: RELN (reelin; minus strand). Cytogenetic location: 7q22.1.
Variant type: single nucleotide variant.
Coding change: c.8G>T on transcript NM_005045.4 (MANE Select); coding-DNA position 8, G replaced by T.
Protein change: p.Arg3Leu; replaces arginine 3 with leucine.
Molecular consequence: missense variant.
Genome position (GRCh38, 1-based): chr7:103,989,349, C>A on the plus strand (G>T on the coding strand, the complement: RELN is on the minus strand). VCF-style: chr7-103989349-C-A. GRCh37 (hg19) VCF-style: chr7-103629796-C-A.
Other names: c.8G>T, p.Arg3Leu (NM_173054.3); short protein forms R3L.
Identifiers: ClinVar variation 1475994 (VCV001475994.8), dbSNP rs2116860662, ClinGen allele CA368931647.

ClinVar aggregate classification (germline): Uncertain significance (1 of 4 stars; one submission).

Conditions:
Familial temporal lobe epilepsy 7. Identifiers: Orphanet 101046, MedGen C4225327, MONDO:0014639, OMIM 616436.
Norman-Roberts syndrome (LIS2). Also called: Lissencephaly 2 (Norman-Roberts type). Identifiers: Orphanet 89844, MedGen C0796089, MONDO:0009760, OMIM 257320.

Submission:

Labcorp Genetics (formerly Invitae), Labcorp
Classification: Uncertain significance for Familial temporal lobe epilepsy 7; Norman-Roberts syndrome. Last evaluated: 2025-06-19. Review status: criteria provided, single submitter. Criteria: Invitae Variant Classification Sherloc (09022015). Collection method: clinical testing. Allele origin: germline.
Comment: This sequence change replaces arginine, which is basic and polar, with leucine, which is neutral and non-polar, at codon 3 of the RELN protein (p.Arg3Leu). This variant is not present in population databases (gnomAD no frequency). This variant has not been reported in the literature in individuals affected with RELN-related conditions. ClinVar contains an entry for this variant (Variation ID: 1475994). An algorithm developed to predict the effect of missense changes on protein structure and function (PolyPhen-2) suggests that this variant is likely to be tolerated. In summary, the available evidence is currently insufficient to determine the role of this variant in disease. Therefore, it has been classified as a Variant of Uncertain Significance.